The following is an entry in ClinVar:

NM_002480.3(PPP1R12A):c.1324_1327del (p.Lys442fs)

Gene: PPP1R12A (protein phosphatase 1 regulatory subunit 12A; minus strand). Cytogenetic location: 12q21.2.
Variant type: Deletion.
Coding change: c.1324_1327del on transcript NM_002480.3 (MANE Select); coding-DNA positions 1324 to 1327, 4 bases deleted (AAGA; older notation c.1324_1327delAAGA).
Protein change: p.Lys442fs; shifts the reading frame from lysine 442.
Molecular consequence: frameshift variant.
Genome position (GRCh38, 1-based): chr12:79,809,923-79,809,926, TCTT deleted on the plus strand (AAGA on the coding strand, the reverse complement: PPP1R12A is on the minus strand); deleting any 4 consecutive bases within chr12:79,809,923-79,809,929 gives the same sequence; the c. name uses the placement nearest the transcript's 3' end. VCF-style (leftmost placement, unchanged base first): chr12-79809922-GTCTT-G. GRCh37 (hg19) VCF-style: chr12-80203702-GTCTT-G.
Other names: c.1324_1327del, p.Lys442fs (NM_001143885.2, NM_001244990.2, NM_001244992.1); c.1063_1066del, p.Lys355fs (NM_001143886.2); short protein forms K355fs, K442fs.
Identifiers: ClinVar variation 4687932 (VCV004687932.1).
Genomic context (GRCh38, chr12:79,809,922, plus strand): 5'-TCTTTTTCTTTCTGACCCTCTTTAGATGCTGTGATTTCAGCAAGTGCACCATAGCTGCCC[GTCTT>G]TCTAAGTCCTAACCTCCAAGTTGCAGGAGACTCATCTTTTCTCTCTTCTTCTTTGGGAGA-3'

ClinVar aggregate classification (germline): Likely pathogenic (1 of 4 stars; one submission).

Conditions:
Genitourinary and/or brain malformation syndrome (GUBS). Also called: PPP1R12A-Related Urogenital and/or Brain Malformation Syndrome. Identifiers: MedGen C5394158, MONDO:0032934, OMIM 618820.

Submission:

Human Genetics Bochum, Ruhr University Bochum
Classification: Likely pathogenic for Genitourinary and/or brain malformation syndrome. Last evaluated: 2025-07-01. Review status: criteria provided, single submitter. Criteria: ACMG Guidelines, 2015. Collection method: clinical testing. Allele origin: germline. Affected: yes.
Comment: ACMG criteria used to clasify this variant: PVS1, PM2_SUP